The following is an entry in ClinVar:

ClinVar aggregate classification (germline): Uncertain significance. Review status: criteria provided, multiple submitters, no conflicts (2 of 4 stars). 2 submissions from 2 submitters: Uncertain significance (2). Last evaluated 2024-04-29.

Conditions:
Hereditary cancer-predisposing syndrome. Also called: Hereditary Cancer Syndrome; Neoplastic Syndromes, Hereditary; Tumor predisposition; Hereditary neoplastic syndrome. Identifiers: Orphanet 140162, MedGen C0027672, MeSH D009386, MONDO:0015356.
Ataxia-telangiectasia syndrome (AT). Also called: Cerebello-oculocutaneous telangiectasia; Immunodeficiency with ataxia telangiectasia; Ataxia-telangiectasia, complementation group E; Ataxia-telangiectasia, complementation group D; AT, COMPLEMENTATION GROUP C; ATAXIA-TELANGIECTASIA, COMPLEMENTATION GROUP A. Identifiers: Orphanet 100, MedGen C0004135, MONDO:0008840, OMIM 208900.

Submissions (2):

Ambry Genetics
Classification: Uncertain significance for Hereditary cancer-predisposing syndrome. Last evaluated: 2024-04-29. Review status: criteria provided, single submitter. Criteria: Ambry Variant Classification Scheme 2023. Collection method: clinical testing. Allele origin: germline.
Comment: The p.Q2101P variant (also known as c.6302A>C), located in coding exon 42 of the ATM gene, results from an A to C substitution at nucleotide position 6302. The glutamine at codon 2101 is replaced by proline, an amino acid with similar properties. This amino acid position is conserved. In addition, this alteration is predicted to be deleterious by in silico analysis. Based on the available evidence, the clinical significance of this variant remains unclear.

Labcorp Genetics (formerly Invitae), Labcorp
Classification: Uncertain significance for Ataxia-telangiectasia syndrome. Last evaluated: 2024-02-25. Review status: criteria provided, single submitter. Criteria: Invitae Variant Classification Sherloc (09022015). Collection method: clinical testing. Allele origin: germline.
Comment: This sequence change replaces glutamine, which is neutral and polar, with proline, which is neutral and non-polar, at codon 2101 of the ATM protein (p.Gln2101Pro). This variant is not present in population databases (gnomAD no frequency). This variant has not been reported in the literature in individuals affected with ATM-related conditions. ClinVar contains an entry for this variant (Variation ID: 575307). An algorithm developed to predict the effect of missense changes on protein structure and function (PolyPhen-2) suggests that this variant is likely to be disruptive. In summary, the available evidence is currently insufficient to determine the role of this variant in disease. Therefore, it has been classified as a Variant of Uncertain Significance.

NM_000051.4(ATM):c.6302A>C (p.Gln2101Pro)

Genes: ATM (ATM serine/threonine kinase; plus strand), C11orf65 (chromosome 11 open reading frame 65; minus strand). Cytogenetic location: 11q22.3.
Variant type: single nucleotide variant.
Coding change: c.6302A>C on transcript NM_000051.4 (MANE Select); coding-DNA position 6302, A replaced by C.
Protein change: p.Gln2101Pro; replaces glutamine 2101 with proline.
Molecular consequence: missense variant. On other transcripts: intron variant (2).
Genome position (GRCh38, 1-based): chr11:108,317,476, A>C. VCF-style: chr11-108317476-A-C. GRCh37 (hg19) VCF-style: chr11-108188203-A-C.
Other names: c.6302A>C, p.Gln2101Pro (NM_001351834.2); c.641-8405T>G (NM_001330368.2); c.*39-8405T>G (NM_001351110.2); short protein forms Q2101P.
Identifiers: ClinVar variation 575307 (VCV000575307.10), dbSNP rs1565503316, ClinGen allele CA382552108.